The following is an entry in ClinVar:

NM_001195263.2(PDZD7):c.1447G>A (p.Asp483Asn)

Gene: PDZD7 (PDZ domain containing 7; minus strand). Cytogenetic location: 10q24.31.
Variant type: single nucleotide variant.
Coding change: c.1447G>A on transcript NM_001195263.2 (MANE Select); coding-DNA position 1447, G replaced by A.
Protein change: p.Asp483Asn; replaces aspartic acid 483 with asparagine.
Molecular consequence: missense variant.
Genome position (GRCh38, 1-based): chr10:101,018,174, C>T on the plus strand (G>A on the coding strand, the complement: PDZD7 is on the minus strand). VCF-style: chr10-101018174-C-T. GRCh37 (hg19) VCF-style: chr10-102777931-C-T.
Other names: c.1475G>A, p.Gly492Glu (NM_001351044.2); c.1447G>A, p.Asp483Asn (NM_024895.5); short protein forms D483N, G492E.
Identifiers: ClinVar variation 46207 (VCV000046207.20), dbSNP rs76941691, ClinGen allele CA137871.

ClinVar aggregate classification (germline): Benign/Likely benign. Review status: criteria provided, multiple submitters, no conflicts (2 of 4 stars). 7 submissions from 7 submitters: Benign (4); Likely benign (1). 2 of the submissions do not count toward it. Last evaluated 2026-01-17.

Allele frequency attached by ClinVar (database versions not stated): 1000 Genomes Project 0.00479; gnomAD 0.00402 and 0.00426; TOPMed 0.00443; gnomAD exomes 0.00043 and 0.00120; ExAC 0.00143; 1000 Genomes Project 30x 0.00500; ESP Exome Variant Server 0.00569.
gnomAD v4.1: 1,262 of 1,614,236 alleles (0.078%); highest among the groups gnomAD compares: African/African-American, 1.4%; 5 homozygotes.

Submissions (7):

Labcorp Genetics (formerly Invitae), Labcorp
Classification: Benign. Last evaluated: 2026-01-17. Review status: criteria provided, single submitter. Criteria: Invitae Variant Classification Sherloc (09022015). Collection method: clinical testing. Allele origin: germline.

Blueprint Genetics
Classification: Likely benign. Last evaluated: 2024-11-27. Review status: criteria provided, single submitter. Criteria: ACMG Guidelines, 2015. Collection method: clinical testing. Allele origin: germline.

GeneDx
Classification: Benign. Last evaluated: 2020-08-11. Review status: criteria provided, single submitter. Criteria: GeneDx Variant Classification Process June 2021. Collection method: clinical testing. Allele origin: germline. Affected: yes.

Laboratory for Molecular Medicine, Mass General Brigham Personalized Medicine
Classification: Benign. Last evaluated: 2012-04-30. Review status: criteria provided, single submitter. Criteria: LMM Criteria. Collection method: clinical testing. Allele origin: germline. Observed: 3 variant alleles.
Comment: Asp483Asn in Exon 09 of PDZD7: This variant is not expected to have clinical sig nificance because it has been identified in 1.6% (58/3738) of African American c hromosomes from a broad population by the NHLBI Exome Sequencing Project (dbSNP rs76941691).

Breakthrough Genomics
Classification: Benign. Review status: criteria provided, single submitter. Criteria: ACMG Guidelines, 2015. Collection method: not provided. Allele origin: germline. Inheritance: Autosomal recessive inheritance. Affected: yes.

Clinical Genetics DNA and cytogenetics Diagnostics Lab, Erasmus MC, Erasmus Medical Center
Classification: Benign. Review status: no assertion criteria provided. Collection method: clinical testing. Allele origin: germline. Affected: yes. Study: VKGL Data-share Consensus. Not counted in ClinVar's aggregate classification.

Clinical Genetics, Academic Medical Center
Classification: Benign. Review status: no assertion criteria provided. Collection method: clinical testing. Allele origin: germline. Affected: yes. Study: VKGL Data-share Consensus. Not counted in ClinVar's aggregate classification.